The following is an entry in ClinVar:

NM_004086.3(COCH):c.82+196G>A

Gene: COCH (cochlin; plus strand). Cytogenetic location: 14q12.
Variant type: single nucleotide variant.
Coding change: c.82+196G>A on transcript NM_004086.3 (MANE Select); 196 bases into the intron after coding-DNA position 82, G replaced by A.
Molecular consequence: intron variant. On other transcripts: splice donor variant (1).
Genome position (GRCh38, 1-based): chr14:30,875,299, G>A. VCF-style: chr14-30875299-G-A. GRCh37 (hg19) VCF-style: chr14-31344505-G-A.
Other names: c.277+1G>A (NM_001347720.2); c.82+196G>A (NM_001135058.2).
Identifiers: ClinVar variation 3352026 (VCV003352026.3).

ClinVar aggregate classification (germline): Conflicting classifications of pathogenicity. Review status: criteria provided, conflicting classifications (1 of 4 stars). 2 submissions from 2 submitters: Uncertain significance (1); Likely benign (1). Last evaluated 2026-07-02.

Conditions:
COCH-related disorder. Also called: COCH-related condition.

gnomAD v4.1: 58 of 810,588 alleles (0.0072%); highest among the groups gnomAD compares: East Asian, 0.04%; 1 homozygote.

Submissions (2):

PreventionGenetics, part of Exact Sciences
Classification: Uncertain significance for COCH-related condition. Last evaluated: 2026-07-02. Review status: criteria provided, single submitter. Criteria: ACMG Guidelines, 2015. Collection method: clinical testing. Allele origin: germline.
Comment: The COCH c.277+1G>A variant is predicted to disrupt the GT donor site and interfere with normal splicing. This variant is intronic in an alternative transcript NM_004086:c.82+196G>A (Intronic). To our knowledge, this variant has not been reported in the literature. This variant is reported in 0.011% of alleles in individuals of African descent in gnomAD, including one homozygote in the larger gnomAD v4.1.0 dataset. At this time, the clinical significance of this variant is uncertain due to the absence of conclusive functional and genetic evidence.

Blueprint Genetics
Classification: Likely benign. Last evaluated: 2024-11-11. Review status: criteria provided, single submitter. Criteria: ACMG Guidelines, 2015. Collection method: clinical testing. Allele origin: germline.